The following is an entry in ClinVar:

NM_004371.4(COPA):c.2774A>G (p.Gln925Arg)

Gene: COPA (coat protein complex I subunit alpha; minus strand). Cytogenetic location: 1q23.2.
Variant type: single nucleotide variant.
Coding change: c.2774A>G on transcript NM_004371.4 (MANE Select); coding-DNA position 2774, A replaced by G.
Protein change: p.Gln925Arg; replaces glutamine 925 with arginine.
Molecular consequence: missense variant.
Genome position (GRCh38, 1-based): chr1:160,293,215, T>C on the plus strand (A>G on the coding strand, the complement: COPA is on the minus strand). VCF-style: chr1-160293215-T-C. GRCh37 (hg19) VCF-style: chr1-160263005-T-C.
Other names: c.2801A>G, p.Gln934Arg (NM_001098398.2); short protein forms Q925R, Q934R.
Identifiers: ClinVar variation 3658939 (VCV003658939.2).

ClinVar aggregate classification (germline): Uncertain significance (1 of 4 stars; one submission).

Conditions:
Autoimmune interstitial lung disease-arthritis syndrome. Also called: Autoinflammation and autoimmunity, systemic, with immune dysregulation. Identifiers: Orphanet 444092, MedGen C5975714, MONDO:0014629.

Submission:

Labcorp Genetics (formerly Invitae), Labcorp
Classification: Uncertain significance for Autoimmune interstitial lung disease-arthritis syndrome. Last evaluated: 2024-07-06. Review status: criteria provided, single submitter. Criteria: Invitae Variant Classification Sherloc (09022015). Collection method: clinical testing. Allele origin: germline.
Comment: This sequence change replaces glutamine, which is neutral and polar, with arginine, which is basic and polar, at codon 925 of the COPA protein (p.Gln925Arg). This variant is not present in population databases (gnomAD no frequency). This variant has not been reported in the literature in individuals affected with COPA-related conditions. Advanced modeling of protein sequence and biophysical properties (such as structural, functional, and spatial information, amino acid conservation, physicochemical variation, residue mobility, and thermodynamic stability) performed at Invitae indicates that this missense variant is not expected to disrupt COPA protein function with a negative predictive value of 80%. In summary, the available evidence is currently insufficient to determine the role of this variant in disease. Therefore, it has been classified as a Variant of Uncertain Significance.